The following is an entry in ClinVar:

ClinVar aggregate classification (germline): Pathogenic. Review status: reviewed by expert panel (3 of 4 stars). 5 submissions from 5 submitters: Pathogenic (1). 4 of the submissions do not count toward it. Last evaluated 2022-12-14.

Conditions:
Very long chain acyl-CoA dehydrogenase deficiency (ACADVLD). Also called: VLCAD Deficiency; Very Long-Chain Acyl-Coenzyme A Dehydrogenase Deficiency. Identifiers: Orphanet 26793, MedGen C3887523, MONDO:0008723, OMIM 201475.

Submissions (5):

ClinGen ACADVL Variant Curation Expert Panel, ClinGen
Classification: Pathogenic for Very long chain acyl-CoA dehydrogenase deficiency. Last evaluated: 2022-12-14. Review status: reviewed by expert panel. Criteria: clingen acadvl acmg specifications v1. Collection method: curation. Allele origin: germline. Inheritance: Autosomal recessive inheritance.
Comment: The c.1194C>A (p.Tyr398Ter) variant in ACADVL is a nonsense variant predicted to cause a premature stop codon in biologically-relevant-exon 12/20 leading to nonsense mediated decay in a gene in which loss-of-function is an established disease mechanism (PVS1; PMIDs 9973285, 11590124). This variant has been described in an individual with increased C14:1 acylcarnitine and fibroblasts derived from this individual showed a significantly reduced VLCAD enzyme activity, which is highly specific for very long chain acyl-CoA dehydrogenase (VLCAD) deficiency (PP4_moderate, PMID: 10529389). This variant is absent from gnomAD v2.1.1 (PM2_Supporting). In summary, this variant meets the criteria to be classified as pathogenic for autosomal recessive VLCAD deficiency based on the ACMG/AMP criteria applied, as specified by the ClinGen ACADVL Variant Curation Expert Panel: PVS1, PP4_moderate, PM2_Supporting (ACADVL VCEP specifications version 1; approved November 8, 2021).

Myriad Genetics, Inc.
Classification: Pathogenic for Very long chain acyl-CoA dehydrogenase deficiency. Last evaluated: 2025-07-02. Review status: criteria provided, single submitter. Criteria: Myriad Autosomal Dominant, Autosomal Recessive and X-Linked Classification Criteria (2023). Collection method: clinical testing. Allele origin: unknown. Not counted in ClinVar's aggregate classification.
Comment: NM_000018.3(ACADVL):c.1194C>A(Y398*) is a nonsense variant classified as pathogenic in the context of very-long-chain acyl-CoA dehydrogenase deficiency. Y398* has been observed in a case with relevant disease (PMID: 10529389). Relevant functional assessments of this variant are not available in the literature. Y398* has not been observed in referenced population frequency databases. In summary, NM_000018.3(ACADVL):c.1194C>A(Y398*) is a nonsense variant in a gene where loss of function is a known mechanism of disease, is predicted to disrupt protein function, and has been observed more frequently in cases with the relevant disease than in healthy populations. Please note: this variant was assessed in the context of healthy population screening.

Fulgent Genetics
Classification: Pathogenic for Very long chain acyl-CoA dehydrogenase deficiency. Last evaluated: 2024-04-14. Review status: criteria provided, single submitter. Criteria: ACMG Guidelines, 2015. Collection method: clinical testing. Allele origin: germline. Not counted in ClinVar's aggregate classification.

Labcorp Genetics (formerly Invitae), Labcorp
Classification: Pathogenic for Very long chain acyl-CoA dehydrogenase deficiency. Last evaluated: 2024-01-04. Review status: criteria provided, single submitter. Criteria: Invitae Variant Classification Sherloc (09022015). Collection method: clinical testing. Allele origin: germline. Not counted in ClinVar's aggregate classification.
Comment: This sequence change creates a premature translational stop signal (p.Tyr398*) in the ACADVL gene. It is expected to result in an absent or disrupted protein product. Loss-of-function variants in ACADVL are known to be pathogenic (PMID: 9973285, 11590124). This variant is not present in population databases (gnomAD no frequency). This premature translational stop signal has been observed in individual(s) with clinical features of very long chain acyl-CoA dehydrogenase deficiency (PMID: 10529389). ClinVar contains an entry for this variant (Variation ID: 810875). Algorithms developed to predict the effect of sequence changes on RNA splicing suggest that this variant may disrupt the consensus splice site. For these reasons, this variant has been classified as Pathogenic.

ARUP Laboratories, Molecular Genetics and Genomics, ARUP Laboratories
Classification: Pathogenic for Very long chain acyl-CoA dehydrogenase deficiency. Last evaluated: 2019-03-20. Review status: criteria provided, single submitter. Criteria: ARUP Molecular Germline Variant Investigation Process. Collection method: clinical testing. Allele origin: germline. Not counted in ClinVar's aggregate classification.
Comment: The ACADVL c.1194C>A; p.Tyr398Ter variant is reported in the literature in an individual affected with VLCAD deficiency (He 1999). Functional characterization of fibroblasts from this patient indicate a significant reduction in VLCAD enzymatic activity (He 1999). This variant is absent from general population databases (Exome Variant Server, Genome Aggregation Database), indicating it is not a common polymorphism. This variant induces an early termination codon and is predicted to result in a truncated protein or mRNA subject to nonsense-mediated decay. ACADVL loss-of-function is an established mechanism of disease, and truncating variants downstream of p.Tyr398Ter have been described in individuals with VLCAD deficiency and are considered pathogenic (Andresen 1999, Takusa 2002). Based on available information, the p.Tyr398Ter variant is considered to be pathogenic. References: Andresen B et al. Clear correlation of genotype with disease phenotype in very-long-chain acyl-CoA dehydrogenase deficiency. Am J Hum Genet. 1999 Feb;64(2):479-94. He G et al. Identification of two novel mutations in the hypoglycemic phenotype of very long chain acyl-CoA dehydrogenase deficiency. Biochem Biophys Res Commun. 1999 Oct 22;264(2):483-7. Takusa Y et al. Identification and characterization of temperature-sensitive mild mutations in three Japanese patients with nonsevere forms of very-long-chain acyl-CoA dehydrogenase deficiency. Mol Genet Metab. 2002 Mar;75(3):227-34.

Literature cited by the submitters: PubMed 10529389 (cited by Myriad Genetics, Inc. and Labcorp Genetics (formerly Invitae), Labcorp); PubMed 9973285 (cited by Labcorp Genetics (formerly Invitae), Labcorp); PubMed 11590124 (cited by Labcorp Genetics (formerly Invitae), Labcorp).

NM_000018.4(ACADVL):c.1194C>A (p.Tyr398Ter)

Gene: ACADVL (acyl-CoA dehydrogenase very long chain; plus strand). Cytogenetic location: 17p13.1.
Variant type: single nucleotide variant.
Coding change: c.1194C>A on transcript NM_000018.4 (MANE Select); coding-DNA position 1194, C replaced by A.
Protein change: p.Tyr398Ter; replaces tyrosine 398 with a stop codon.
Molecular consequence: nonsense.
Genome position (GRCh38, 1-based): chr17:7,223,655, C>A. VCF-style: chr17-7223655-C-A. GRCh37 (hg19) VCF-style: chr17-7126974-C-A.
Other names: NM_000018.4(ACADVL):c.1194C>A; p.Tyr398Ter; c.1128C>A, p.Tyr376Ter (NM_001033859.3); c.1263C>A, p.Tyr421Ter (NM_001270447.2); c.966C>A, p.Tyr322Ter (NM_001270448.2); short protein forms Y322*, Y376*, Y398*, Y421*.
Identifiers: ClinVar variation 810875 (VCV000810875.14), dbSNP rs1597533847, ClinGen allele CA397724566.